The following is an entry in ClinVar:

NM_004369.4(COL6A3):c.7039G>A (p.Gly2347Arg)

Gene: COL6A3 (collagen type VI alpha 3 chain; minus strand). Cytogenetic location: 2q37.3.
Variant type: single nucleotide variant.
Coding change: c.7039G>A on transcript NM_004369.4 (MANE Select); coding-DNA position 7039, G replaced by A.
Protein change: p.Gly2347Arg; replaces glycine 2347 with arginine.
Molecular consequence: missense variant.
Genome position (GRCh38, 1-based): chr2:237,346,556, C>T on the plus strand (G>A on the coding strand, the complement: COL6A3 is on the minus strand). VCF-style: chr2-237346556-C-T. GRCh37 (hg19) VCF-style: chr2-238255199-C-T.
Other names: c.5218G>A, p.Gly1740Arg (NM_057166.5); c.6421G>A, p.Gly2141Arg (NM_057167.4); short protein forms G1740R, G2347R, G2141R.
Identifiers: ClinVar variation 1357560 (VCV001357560.8), dbSNP rs2106326911, ClinGen allele CA351206607.

ClinVar aggregate classification (germline): Uncertain significance (1 of 4 stars; one submission).

Conditions:
Bethlem myopathy 1A. Also called: MYOPATHY, BENIGN CONGENITAL, WITH CONTRACTURES; Bethlem Muscular Dystrophy; Bethlem myopathy 1. Identifiers: Orphanet 610, MedGen CN029274, MONDO:0024530, OMIM 158810.

Submission:

Labcorp Genetics (formerly Invitae), Labcorp
Classification: Uncertain significance for Bethlem myopathy 1A. Last evaluated: 2025-03-26. Review status: criteria provided, single submitter. Criteria: Invitae Variant Classification Sherloc (09022015). Collection method: clinical testing. Allele origin: germline.
Comment: This sequence change replaces glycine, which is neutral and non-polar, with arginine, which is basic and polar, at codon 2347 of the COL6A3 protein (p.Gly2347Arg). This variant is not present in population databases (gnomAD no frequency). This variant has not been reported in the literature in individuals affected with COL6A3-related conditions. ClinVar contains an entry for this variant (Variation ID: 1357560). Invitae Evidence Modeling of protein sequence and biophysical properties (such as structural, functional, and spatial information, amino acid conservation, physicochemical variation, residue mobility, and thermodynamic stability) indicates that this missense variant is expected to disrupt COL6A3 protein function with a positive predictive value of 80%. This variant disrupts the triple helix domain of COL6A3. Glycine residues within the Gly-Xaa-Yaa repeats of the triple helix domain are required for the structure and stability of fibrillar collagens (PMID: 7695699, 8218237, 19344236). In COL6A3, missense variants at these glycine residues are significantly enriched in individuals with autosomal dominant disease (PMID: 15689448, 24038877) compared to the general population (ExAC). In summary, the available evidence is currently insufficient to determine the role of this variant in disease. Therefore, it has been classified as a Variant of Uncertain Significance.

Literature cited by the submitters: PubMed 7695699; PubMed 8218237; PubMed 19344236; PubMed 15689448; PubMed 24038877.